The following is an entry in ClinVar:

ClinVar aggregate classification (germline): Uncertain significance. Review status: criteria provided, multiple submitters, no conflicts (2 of 4 stars). 2 submissions from 2 submitters: Uncertain significance (2). Last evaluated 2025-11-18.

Conditions:
Hereditary cancer-predisposing syndrome. Also called: Hereditary neoplastic syndrome; Tumor predisposition; Hereditary Cancer Syndrome; Neoplastic Syndromes, Hereditary. Identifiers: Orphanet 140162, MedGen C0027672, MeSH D009386, MONDO:0015356.
BAP1-related tumor predisposition syndrome (TPDS1). Also called: TUMOR PREDISPOSITION SYNDROME 1; BAP1 tumor predisposition syndrome; Tumor susceptibility linked to germline BAP1 mutations; COMMON Syndrome. Identifiers: Orphanet 289539, MedGen C3280492, MONDO:0013692, OMIM 614327.

gnomAD v4.1: 1 of 1,614,134 alleles (0.000062%); highest among the groups gnomAD compares: Non-Finnish European, 0.000085%; no homozygotes.

Submissions (2):

Color Diagnostics, LLC DBA Color Health
Classification: Uncertain significance for Hereditary cancer-predisposing syndrome. Last evaluated: 2025-11-18. Review status: criteria provided, single submitter. Criteria: ACMG Guidelines, 2015. Collection method: clinical testing. Allele origin: germline.
Comment: This missense variant replaces alanine with valine at codon 167 of the BAP1 protein. Computational prediction suggests that this variant may not impact protein structure and function. To our knowledge, functional studies have not been reported for this variant. This variant has not been reported in individuals affected with BAP1-related disorders in the literature. This variant has been identified in 1/1614134 chromosomes in the general population by the Genome Aggregation Database (gnomAD). The available evidence is insufficient to determine the role of this variant in disease conclusively. Therefore, this variant is classified as a Variant of Uncertain Significance.

Labcorp Genetics (formerly Invitae), Labcorp
Classification: Uncertain significance for BAP1-related tumor predisposition syndrome. Last evaluated: 2025-02-11. Review status: criteria provided, single submitter. Criteria: Invitae Variant Classification Sherloc (09022015). Collection method: clinical testing. Allele origin: germline.
Comment: This sequence change replaces alanine, which is neutral and non-polar, with valine, which is neutral and non-polar, at codon 167 of the BAP1 protein (p.Ala167Val). This variant is not present in population databases (gnomAD no frequency). This variant has not been reported in the literature in individuals affected with BAP1-related conditions. Invitae Evidence Modeling of protein sequence and biophysical properties (such as structural, functional, and spatial information, amino acid conservation, physicochemical variation, residue mobility, and thermodynamic stability) indicates that this missense variant is expected to disrupt BAP1 protein function with a positive predictive value of 80%. In summary, the available evidence is currently insufficient to determine the role of this variant in disease. Therefore, it has been classified as a Variant of Uncertain Significance.

NM_004656.4(BAP1):c.500C>T (p.Ala167Val)

Gene: BAP1 (BRCA1 associated deubiquitinase 1; minus strand). Cytogenetic location: 3p21.1.
Variant type: single nucleotide variant.
Coding change: c.500C>T on transcript NM_004656.4 (MANE Select); coding-DNA position 500, C replaced by T.
Protein change: p.Ala167Val; replaces alanine 167 with valine.
Molecular consequence: missense variant.
Genome position (GRCh38, 1-based): chr3:52,407,254, G>A on the plus strand (C>T on the coding strand, the complement: BAP1 is on the minus strand). VCF-style: chr3-52407254-G-A. GRCh37 (hg19) VCF-style: chr3-52441270-G-A.
Other names: c.500C>T, p.Ala167Val (NM_001410772.1); short protein forms A167V.
Identifiers: ClinVar variation 3703455 (VCV003703455.3).